The following is an entry in ClinVar:

NM_001127511.3(APC):c.47C>T (p.Ser16Phe)

Gene: APC (APC regulator of Wnt signaling pathway; plus strand). Cytogenetic location: 5q22.2.
Variant type: single nucleotide variant.
Coding change: c.47C>T on transcript NM_001127511.3; coding-DNA position 47, C replaced by T.
Protein change: p.Ser16Phe; replaces serine 16 with phenylalanine.
Molecular consequence: missense variant. On other transcripts: 5 prime UTR variant (8), non-coding transcript variant (1), intron variant (5).
Genome position (GRCh38, 1-based): chr5:112,707,764, C>T. VCF-style: chr5-112707764-C-T. GRCh37 (hg19) VCF-style: chr5-112043461-C-T.
Other names: c.-137C>T (NM_001354895.2, NM_001407447.1, NM_001407452.1 and 3 more transcripts); c.47C>T, p.Ser16Phe (NM_001354897.2, NM_001354902.2, NM_001407446.1); c.-1172C>T (NM_001407470.1, NM_001407472.1); c.-19+115C>T (NM_001407448.1, NM_001407450.1, NM_001407457.1 and 1 more transcripts); c.-43+115C>T (NM_001407453.1); short protein forms S16F.
Identifiers: ClinVar variation 2878982 (VCV002878982.3), dbSNP rs1750606277, ClinGen allele CA360611758.

ClinVar aggregate classification (germline): Uncertain significance (1 of 4 stars; one submission).

Conditions:
Familial adenomatous polyposis 1 (FAP1). Also called: FAMILIAL ADENOMATOUS POLYPOSIS 1, ATTENUATED; POLYPOSIS, ADENOMATOUS INTESTINAL. Identifiers: MedGen C2713442, MONDO:0021056, OMIM 175100. Disease mechanism: loss of function.

Submission:

Labcorp Genetics (formerly Invitae), Labcorp
Classification: Uncertain significance for Familial adenomatous polyposis 1. Last evaluated: 2023-08-09. Review status: criteria provided, single submitter. Criteria: Invitae Variant Classification Sherloc (09022015). Collection method: clinical testing. Allele origin: germline.
Comment: In summary, the available evidence is currently insufficient to determine the role of this variant in disease. Therefore, it has been classified as a Variant of Uncertain Significance. Experimental studies and prediction algorithms are not available or were not evaluated, and the functional significance of this variant is currently unknown. This variant has not been reported in the literature in individuals affected with APC-related conditions. This variant is not present in population databases (gnomAD no frequency). This variant occurs in a non-coding region of the APC gene. It does not change the encoded amino acid sequence of the APC protein.